The following is an entry in ClinVar:

ClinVar aggregate classification (germline): Uncertain significance. Review status: criteria provided, multiple submitters, no conflicts (2 of 4 stars). 2 submissions from 2 submitters: Uncertain significance (2). Last evaluated 2023-09-17.

Conditions:
Hereditary cancer-predisposing syndrome. Also called: Hereditary Cancer Syndrome; Hereditary neoplastic syndrome; Tumor predisposition; Neoplastic Syndromes, Hereditary. Identifiers: Orphanet 140162, MedGen C0027672, MeSH D009386, MONDO:0015356.

Allele frequency attached by ClinVar (database versions not stated): gnomAD exomes below 0.00001.
gnomAD v4.1: 2 of 1,613,882 alleles (0.00012%); highest among the groups gnomAD compares: Middle Eastern, 0.017%; no homozygotes.

Submissions (2):

Labcorp Genetics (formerly Invitae), Labcorp
Classification: Uncertain significance. Last evaluated: 2023-09-17. Review status: criteria provided, single submitter. Criteria: Invitae Variant Classification Sherloc (09022015). Collection method: clinical testing. Allele origin: germline.
Comment: ClinVar contains an entry for this variant (Variation ID: 843233). In summary, the available evidence is currently insufficient to determine the role of this variant in disease. Therefore, it has been classified as a Variant of Uncertain Significance. An algorithm developed to predict the effect of missense changes on protein structure and function (PolyPhen-2) suggests that this variant is likely to be disruptive. This variant has not been reported in the literature in individuals affected with MSH3-related conditions. This variant is not present in population databases (gnomAD no frequency). This sequence change replaces serine, which is neutral and polar, with phenylalanine, which is neutral and non-polar, at codon 836 of the MSH3 protein (p.Ser836Phe).

Ambry Genetics
Classification: Uncertain significance for Hereditary cancer-predisposing syndrome. Last evaluated: 2022-08-01. Review status: criteria provided, single submitter. Criteria: Ambry Variant Classification Scheme 2023. Collection method: clinical testing. Allele origin: germline.
Comment: The p.S836F variant (also known as c.2507C>T), located in coding exon 18 of the MSH3 gene, results from a C to T substitution at nucleotide position 2507. The serine at codon 836 is replaced by phenylalanine, an amino acid with highly dissimilar properties. This amino acid position is conserved. In addition, this alteration is predicted to be deleterious by in silico analysis. Since supporting evidence is limited at this time, the clinical significance of this alteration remains unclear.

NM_002439.5(MSH3):c.2507C>T (p.Ser836Phe)

Gene: MSH3 (mutS homolog 3; plus strand). Cytogenetic location: 5q14.1.
Variant type: single nucleotide variant.
Coding change: c.2507C>T on transcript NM_002439.5 (MANE Select); coding-DNA position 2507, C replaced by T.
Protein change: p.Ser836Phe; replaces serine 836 with phenylalanine.
Molecular consequence: missense variant.
Genome position (GRCh38, 1-based): chr5:80,787,636, C>T. VCF-style: chr5-80787636-C-T. GRCh37 (hg19) VCF-style: chr5-80083455-C-T.
Other names: short protein forms S836F.
Identifiers: ClinVar variation 843233 (VCV000843233.12), dbSNP rs1744532625, ClinGen allele CA360283327.